The following is an entry in ClinVar:

NM_006767.4(LZTR1):c.481C>T (p.Gln161Ter)

Gene: LZTR1 (leucine zipper like post translational regulator 1; plus strand). Cytogenetic location: 22q11.21.
Variant type: single nucleotide variant.
Coding change: c.481C>T on transcript NM_006767.4 (MANE Select); coding-DNA position 481, C replaced by T.
Protein change: p.Gln161Ter; replaces glutamine 161 with a stop codon.
Molecular consequence: nonsense.
Genome position (GRCh38, 1-based): chr22:20,988,090, C>T. VCF-style: chr22-20988090-C-T. GRCh37 (hg19) VCF-style: chr22-21342379-C-T.
Other names: short protein forms Q161*.
Identifiers: ClinVar variation 1452996 (VCV001452996.9), dbSNP rs2147962049, ClinGen allele CA410779879.

ClinVar aggregate classification (germline): Pathogenic. Review status: criteria provided, multiple submitters, no conflicts (2 of 4 stars). 2 submissions from 2 submitters: Pathogenic (2). Last evaluated 2025-08-18.

Conditions:
Cardiovascular phenotype. Identifiers: MedGen CN230736.
Hereditary cancer-predisposing syndrome. Also called: Tumor predisposition; Neoplastic Syndromes, Hereditary; Hereditary Cancer Syndrome; Hereditary neoplastic syndrome. Identifiers: Orphanet 140162, MedGen C0027672, MeSH D009386, MONDO:0015356.

gnomAD v4.1: 1 of 1,612,420 alleles (0.000062%); highest among the groups gnomAD compares: Non-Finnish European, 0.000085%; no homozygotes.

Submissions (2):

Ambry Genetics
Classification: Pathogenic for Cardiovascular phenotype; Hereditary cancer-predisposing syndrome. Last evaluated: 2025-08-18. Review status: criteria provided, single submitter. Criteria: Ambry Variant Classification Scheme 2023. Collection method: clinical testing. Allele origin: germline.
Comment: The p.Q161* pathogenic mutation (also known as c.481C>T), located in coding exon 5 of the LZTR1 gene, results from a C to T substitution at nucleotide position 481. This changes the amino acid from a glutamine to a stop codon within coding exon 5. This alteration is expected to result in loss of function by premature protein truncation or nonsense-mediated mRNA decay. Loss-of-function variants in LZTR1 are related to an increased risk for schwannomas and autosomal recessive Noonan syndrome; however, such associations with autosomal dominant Noonan syndrome have not been observed (Piotrowski A et al. Nat Genet. 2014 Feb;46:182-7; Yamamoto GL et al. J Med Genet. 2015 Jun;52:413-21; Johnston JJ et al. Genet Med. 2018 10;20:1175-1185). Based on the supporting evidence, this variant is pathogenic for an increased risk of LZTR1-related schwannomatosis (SWN) and would be expected to cause autosomal recessive Noonan syndrome when present along with a second pathogenic or likely pathogenic variant on the other allele; however, the association of this alteration with autosomal dominant Noonan syndrome is unlikely.

Labcorp Genetics (formerly Invitae), Labcorp
Classification: Pathogenic. Last evaluated: 2024-12-11. Review status: criteria provided, single submitter. Criteria: Invitae Variant Classification Sherloc (09022015). Collection method: clinical testing. Allele origin: germline.
Comment: This sequence change creates a premature translational stop signal (p.Gln161*) in the LZTR1 gene. It is expected to result in an absent or disrupted protein product. Loss-of-function variants in LZTR1 are known to be pathogenic (PMID: 24362817, 25335493, 25480913, 25795793, 29469822, 30368668, 30442762, 30442766, 30481304, 30859559). This variant is not present in population databases (gnomAD no frequency). This variant has not been reported in the literature in individuals affected with LZTR1-related conditions. ClinVar contains an entry for this variant (Variation ID: 1452996). For these reasons, this variant has been classified as Pathogenic.

Literature cited by the submitters: PubMed 24362817 (cited by Labcorp Genetics (formerly Invitae), Labcorp); PubMed 25335493 (cited by Labcorp Genetics (formerly Invitae), Labcorp); PubMed 25480913 (cited by Labcorp Genetics (formerly Invitae), Labcorp); PubMed 25795793 (cited by Labcorp Genetics (formerly Invitae), Labcorp); PubMed 29469822 (cited by Labcorp Genetics (formerly Invitae), Labcorp); PubMed 30368668 (cited by Labcorp Genetics (formerly Invitae), Labcorp); PubMed 30442762 (cited by Labcorp Genetics (formerly Invitae), Labcorp); PubMed 30442766 (cited by Labcorp Genetics (formerly Invitae), Labcorp); PubMed 30481304 (cited by Labcorp Genetics (formerly Invitae), Labcorp); PubMed 30859559 (cited by Labcorp Genetics (formerly Invitae), Labcorp).